The following is an entry in ClinVar:

NM_006939.4(SOS2):c.346-194G>C

Gene: SOS2 (SOS Ras/Rho guanine nucleotide exchange factor 2; minus strand). Cytogenetic location: 14q21.3.
Variant type: single nucleotide variant.
Coding change: c.346-194G>C on transcript NM_006939.4 (MANE Select); 194 bases into the intron before coding-DNA position 346, G replaced by C.
Molecular consequence: intron variant.
Genome position (GRCh38, 1-based): chr14:50,200,049, C>G on the plus strand (G>C on the coding strand, the complement: SOS2 is on the minus strand). VCF-style: chr14-50200049-C-G. GRCh37 (hg19) VCF-style: chr14-50666767-C-G.
Identifiers: ClinVar variation 561640 (VCV000561640.1), dbSNP rs74542284, ClinGen allele CA260721781.

ClinVar aggregate classification (germline): Likely benign (1 of 4 stars; one submission).

Allele frequency attached by ClinVar (database versions not stated): gnomAD 0.00947 and 0.00999; TOPMed 0.01045; 1000 Genomes Project 0.01138; 1000 Genomes Project 30x 0.01140.
gnomAD v4.1: 1,433 of 152,206 alleles (0.94%); highest among the groups gnomAD compares: Middle Eastern, 6.5%; 16 homozygotes.

Submission:

GeneDx
Classification: Likely benign. Last evaluated: 2018-06-14. Review status: criteria provided, single submitter. Criteria: GeneDx Variant Classification (06012015). Collection method: clinical testing. Allele origin: germline. Affected: yes.
Comment: This variant is considered likely benign or benign based on one or more of the following criteria: it is a conservative change, it occurs at a poorly conserved position in the protein, it is predicted to be benign by multiple in silico algorithms, and/or has population frequency not consistent with disease.